The following is an entry in ClinVar:

NM_022051.3(EGLN1):c.1022G>A (p.Gly341Asp)

Gene: EGLN1 (egl-9 family hypoxia inducible factor 1; minus strand). Cytogenetic location: 1q42.2.
Variant type: single nucleotide variant.
Coding change: c.1022G>A on transcript NM_022051.3 (MANE Select); coding-DNA position 1022, G replaced by A.
Protein change: p.Gly341Asp; replaces glycine 341 with aspartic acid.
Molecular consequence: missense variant. On other transcripts: intron variant (1).
Genome position (GRCh38, 1-based): chr1:231,370,688, C>T on the plus strand (G>A on the coding strand, the complement: EGLN1 is on the minus strand). VCF-style: chr1-231370688-C-T. GRCh37 (hg19) VCF-style: chr1-231506434-C-T.
Other names: c.1022G>A, p.Gly341Asp (NM_001377260.1); c.1012-3052G>A (NM_001377261.1); short protein forms G341D.
Identifiers: ClinVar variation 4247395 (VCV004247395.1).

ClinVar aggregate classification (germline): Uncertain significance (1 of 4 stars; one submission).

gnomAD v4.1: 1 of 1,614,044 alleles (0.000062%); highest among the groups gnomAD compares: Non-Finnish European, 0.000085%; no homozygotes.

Submission:

Ambry Genetics
Classification: Uncertain significance. Last evaluated: 2025-07-28. Review status: criteria provided, single submitter. Criteria: Ambry Variant Classification Scheme 2023. Collection method: clinical testing. Allele origin: germline.
Comment: The p.G341D variant (also known as c.1022G>A), located in coding exon 3 of the EGLN1 gene, results from a G to A substitution at nucleotide position 1022. The glycine at codon 341 is replaced by aspartic acid, an amino acid with similar properties. This amino acid position is conserved. In addition, this alteration is predicted to be deleterious by in silico analysis. Based on the available evidence, the clinical significance of this variant remains unclear.